The following is an entry in ClinVar:

ClinVar aggregate classification (germline): Uncertain significance (1 of 4 stars; one submission).

Conditions:
Cardiovascular phenotype. Identifiers: MedGen CN230736.

Submission:

Ambry Genetics
Classification: Uncertain significance for Cardiovascular phenotype. Last evaluated: 2022-12-29. Review status: criteria provided, single submitter. Criteria: Ambry Variant Classification Scheme 2023. Collection method: clinical testing. Allele origin: germline.
Comment: The p.P27L variant (also known as c.80C>T), located in coding exon 1 of the FOXE3 gene, results from a C to T substitution at nucleotide position 80. The proline at codon 27 is replaced by leucine, an amino acid with similar properties. This amino acid position is conserved. In addition, this alteration is predicted to be tolerated by in silico analysis. Since supporting evidence is limited at this time, the clinical significance of this alteration remains unclear.

NM_012186.3(FOXE3):c.80C>T (p.Pro27Leu)

Genes: FOXE3 (forkhead box E3; plus strand), LINC01389 (long intergenic non-protein coding RNA 1389; minus strand). Cytogenetic location: 1p33.
Variant type: single nucleotide variant.
Coding change: c.80C>T on transcript NM_012186.3 (MANE Select); coding-DNA position 80, C replaced by T.
Protein change: p.Pro27Leu; replaces proline 27 with leucine.
Molecular consequence: missense variant.
Genome position (GRCh38, 1-based): chr1:47,416,395, C>T. VCF-style: chr1-47416395-C-T. GRCh37 (hg19) VCF-style: chr1-47882067-C-T.
Other names: short protein forms P27L.
Identifiers: ClinVar variation 2448362 (VCV002448362.2), dbSNP rs2521315310, ClinGen allele CA340248996.